The following is an entry in ClinVar:

NM_144670.6(A2ML1):c.1387A>C (p.Lys463Gln)

Gene: A2ML1 (alpha-2-macroglobulin like 1; plus strand). Cytogenetic location: 12p13.31.
Variant type: single nucleotide variant.
Coding change: c.1387A>C on transcript NM_144670.6 (MANE Select); coding-DNA position 1387, A replaced by C.
Protein change: p.Lys463Gln; replaces lysine 463 with glutamine.
Molecular consequence: missense variant.
Genome position (GRCh38, 1-based): chr12:8,843,272, A>C. VCF-style: chr12-8843272-A-C. GRCh37 (hg19) VCF-style: chr12-8995868-A-C.
Other names: short protein forms K463Q.
Identifiers: ClinVar variation 1026006 (VCV001026006.13), dbSNP rs764536586, ClinGen allele CA6435636.

ClinVar aggregate classification (germline): Uncertain significance. Review status: criteria provided, multiple submitters, no conflicts (2 of 4 stars). 3 submissions from 3 submitters: Uncertain significance (3). Last evaluated 2025-09-21.

Allele frequency attached by ClinVar (database versions not stated): ExAC 0.00002; gnomAD exomes 0.00002 and 0.00003; gnomAD 0.00003; TOPMed 0.00004.
gnomAD v4.1: 46 of 1,614,070 alleles (0.0028%); highest among the groups gnomAD compares: Non-Finnish European, 0.0034%; no homozygotes.

Submissions (3):

Labcorp Genetics (formerly Invitae), Labcorp
Classification: Uncertain significance. Last evaluated: 2025-09-21. Review status: criteria provided, single submitter. Criteria: Invitae Variant Classification Sherloc (09022015). Collection method: clinical testing. Allele origin: germline.
Comment: This sequence change replaces lysine, which is basic and polar, with glutamine, which is neutral and polar, at codon 463 of the A2ML1 protein (p.Lys463Gln). This variant is present in population databases (rs764536586, gnomAD 0.004%). This variant has not been reported in the literature in individuals affected with A2ML1-related conditions. ClinVar contains an entry for this variant (Variation ID: 1026006). An algorithm developed to predict the effect of missense changes on protein structure and function outputs the following: PolyPhen-2: "Benign". The glutamine amino acid residue is found in multiple mammalian species, which suggests that this missense change does not adversely affect protein function. In summary, the available evidence is currently insufficient to determine the role of this variant in disease. Therefore, it has been classified as a Variant of Uncertain Significance.

Ambry Genetics
Classification: Uncertain significance. Last evaluated: 2025-08-30. Review status: criteria provided, single submitter. Criteria: Ambry Variant Classification Scheme 2023. Collection method: clinical testing. Allele origin: germline.

Women's Health and Genetics/Laboratory Corporation of America, LabCorp
Classification: Uncertain significance. Last evaluated: 2022-01-03. Review status: criteria provided, single submitter. Criteria: LabCorp Variant Classification Summary - May 2015. Collection method: clinical testing. Allele origin: germline.
Comment: Variant summary: A2ML1 c.1387A>C (p.Lys463Gln) results in a conservative amino acid change located in the alpha-2-macroglobulin, bait region domain (IPR011625) of the encoded protein sequence. Four of four in-silico tools predict a benign effect of the variant on protein function. The variant allele was found at a frequency of 2e-05 in 394352 control chromosomes (in the gnomAD v2.1 and v3.1 datasets). This frequency is approximately 5-fold of the estimated maximal expected allele frequency for a pathogenic variant in A2ML1 causing Noonan Syndrome phenotype (4e-06), suggesting that the variant might be a benign polymorphism. To our knowledge, no occurrence of c.1387A>C in individuals affected with Noonan Syndrome and no experimental evidence demonstrating its impact on protein function have been reported. One clinical diagnostic laboratory has submitted clinical-significance assessments for this variant to ClinVar after 2014, and classified the variant as uncertain significance. Based on the evidence outlined above, the variant was classified as VUS-possibly benign.